The following is an entry in ClinVar:

NM_022168.4(IFIH1):c.3035A>G (p.Asn1012Ser)

Gene: IFIH1 (interferon induced with helicase C domain 1; minus strand). Cytogenetic location: 2q24.2.
Variant type: single nucleotide variant.
Coding change: c.3035A>G on transcript NM_022168.4 (MANE Select); coding-DNA position 3035, A replaced by G.
Protein change: p.Asn1012Ser; replaces asparagine 1012 with serine.
Molecular consequence: missense variant.
Genome position (GRCh38, 1-based): chr2:162,267,243, T>C on the plus strand (A>G on the coding strand, the complement: IFIH1 is on the minus strand). VCF-style: chr2-162267243-T-C. GRCh37 (hg19) VCF-style: chr2-163123753-T-C.
Other names: c.3035A>G (NM_022168.2); short protein forms N1012S.
Identifiers: ClinVar variation 1387671 (VCV001387671.9), dbSNP rs931567064, ClinGen allele CA59652072.

ClinVar aggregate classification (germline): Uncertain significance. Review status: criteria provided, multiple submitters, no conflicts (2 of 4 stars). 2 submissions from 2 submitters: Uncertain significance (2). Last evaluated 2025-11-05.

Conditions:
Inborn genetic diseases. Identifiers: MedGen C0950123, MeSH D030342.
Aicardi-Goutieres syndrome 7 (AGS7). Identifiers: Orphanet 51, MedGen C3888244, MONDO:0014367, OMIM 615846.
Singleton-Merten syndrome 1 (SGMRT1). Also called: Widened medullary cavities of bone, aortic calcification, abnormal dentition, and muscular weakness; Syndrome of widened medullary cavities of the metacarpals and phalanges, aortic calcification and abnormal dentition. Identifiers: Orphanet 85191, MedGen C4225427, MONDO:0024535, OMIM 182250.

Allele frequency attached by ClinVar (database versions not stated): gnomAD exomes below 0.00001 and 0.00001; gnomAD 0.00001.
gnomAD v4.1: 5 of 1,607,796 alleles (0.00031%); highest among the groups gnomAD compares: Admixed American, 0.0017%; no homozygotes.

Submissions (2):

Ambry Genetics
Classification: Uncertain significance for Inborn genetic diseases. Last evaluated: 2025-11-05. Review status: criteria provided, single submitter. Criteria: Ambry Variant Classification Scheme 2023. Collection method: clinical testing. Allele origin: germline.

Labcorp Genetics (formerly Invitae), Labcorp
Classification: Uncertain significance for Aicardi-Goutieres syndrome 7; Singleton-Merten syndrome 1. Last evaluated: 2025-09-21. Review status: criteria provided, single submitter. Criteria: Invitae Variant Classification Sherloc (09022015). Collection method: clinical testing. Allele origin: germline.
Comment: This sequence change replaces asparagine, which is neutral and polar, with serine, which is neutral and polar, at codon 1012 of the IFIH1 protein (p.Asn1012Ser). This variant is present in population databases (no rsID available, gnomAD 0.007%). This variant has not been reported in the literature in individuals affected with IFIH1-related conditions. ClinVar contains an entry for this variant (Variation ID: 1387671). An algorithm developed to predict the effect of missense changes on protein structure and function outputs the following: PolyPhen-2: "Benign". The serine amino acid residue is found in multiple mammalian species, which suggests that this missense change does not adversely affect protein function. In summary, the available evidence is currently insufficient to determine the role of this variant in disease. Therefore, it has been classified as a Variant of Uncertain Significance.